The following is an entry in ClinVar:

NM_001065.4(TNFRSF1A):c.769G>T (p.Gly257Trp)

Gene: TNFRSF1A (TNF receptor superfamily member 1A; minus strand). Cytogenetic location: 12p13.31.
Variant type: single nucleotide variant.
Coding change: c.769G>T on transcript NM_001065.4 (MANE Select); coding-DNA position 769, G replaced by T.
Protein change: p.Gly257Trp; replaces glycine 257 with tryptophan.
Molecular consequence: missense variant. On other transcripts: non-coding transcript variant (1).
Genome position (GRCh38, 1-based): chr12:6,330,066, C>A on the plus strand (G>T on the coding strand, the complement: TNFRSF1A is on the minus strand). VCF-style: chr12-6330066-C-A. GRCh37 (hg19) VCF-style: chr12-6439232-C-A.
Other names: c.445G>T, p.Gly149Trp (NM_001346091.2); c.310G>T, p.Gly104Trp (NM_001346092.2); short protein forms G257W, G149W, G104W.
Identifiers: ClinVar variation 2792634 (VCV002792634.3), dbSNP rs201623463, ClinGen allele CA383546247.

ClinVar aggregate classification (germline): Uncertain significance (1 of 4 stars; one submission).

Conditions:
TNF receptor-associated periodic fever syndrome (TRAPS) (FPF). Also called: FAMILIAL HIBERNIAN FEVER; TNF RECEPTOR-ASSOCIATED PERIODIC SYNDROME; TUMOR NECROSIS FACTOR RECEPTOR-ASSOCIATED PERIODIC SYNDROME; Autosomal Dominant Familial Periodic Fever; TNF Receptor-Associated Periodic Fever Syndrome; TNF receptor 1-associated periodic fever syndrome. Identifiers: Orphanet 32960, MedGen C1275126, MONDO:0007727, OMIM 142680.

gnomAD v4.1: 1 of 1,612,710 alleles (0.000062%); highest among the groups gnomAD compares: Admixed American, 0.0017%; no homozygotes.

Submission:

Labcorp Genetics (formerly Invitae), Labcorp
Classification: Uncertain significance for TNF receptor-associated periodic fever syndrome (TRAPS). Last evaluated: 2023-07-17. Review status: criteria provided, single submitter. Criteria: Invitae Variant Classification Sherloc (09022015). Collection method: clinical testing. Allele origin: germline.
Comment: This variant has not been reported in the literature in individuals affected with TNFRSF1A-related conditions. In summary, the available evidence is currently insufficient to determine the role of this variant in disease. Therefore, it has been classified as a Variant of Uncertain Significance. An algorithm developed to predict the effect of missense changes on protein structure and function (PolyPhen-2) suggests that this variant is likely to be disruptive. This variant is not present in population databases (gnomAD no frequency). This sequence change replaces glycine, which is neutral and non-polar, with tryptophan, which is neutral and slightly polar, at codon 257 of the TNFRSF1A protein (p.Gly257Trp).